The following is an entry in ClinVar:

NM_000384.3(APOB):c.9235A>T (p.Ser3079Cys)

Gene: APOB (apolipoprotein B; minus strand). Cytogenetic location: 2p24.1.
Variant type: single nucleotide variant.
Coding change: c.9235A>T on transcript NM_000384.3 (MANE Select); coding-DNA position 9235, A replaced by T.
Protein change: p.Ser3079Cys; replaces serine 3079 with cysteine.
Molecular consequence: missense variant.
Genome position (GRCh38, 1-based): chr2:21,007,633, T>A on the plus strand (A>T on the coding strand, the complement: APOB is on the minus strand). VCF-style: chr2-21007633-T-A. GRCh37 (hg19) VCF-style: chr2-21230505-T-A.
Other names: short protein forms S3079C.
Identifiers: ClinVar variation 3415101 (VCV003415101.1).

ClinVar aggregate classification (germline): Uncertain significance (1 of 4 stars; one submission).

Conditions:
Cardiovascular phenotype. Identifiers: MedGen CN230736.

gnomAD v4.1: 3 of 1,614,096 alleles (0.00019%); highest among the groups gnomAD compares: Non-Finnish European, 0.00025%; no homozygotes.

Submission:

Ambry Genetics
Classification: Uncertain significance for Cardiovascular phenotype. Last evaluated: 2024-09-20. Review status: criteria provided, single submitter. Criteria: Ambry Variant Classification Scheme 2023. Collection method: clinical testing. Allele origin: germline.
Comment: The p.S3079C variant (also known as c.9235A>T), located in coding exon 26 of the APOB gene, results from an A to T substitution at nucleotide position 9235. The serine at codon 3079 is replaced by cysteine, an amino acid with dissimilar properties. This amino acid position is conserved. In addition, this alteration is predicted to be tolerated by in silico analysis. Based on the available evidence, the clinical significance of this variant remains unclear.